The following is an entry in ClinVar:

NM_174916.3(UBR1):c.3321G>A (p.Val1107=)

Gene: UBR1 (ubiquitin protein ligase E3 component n-recognin 1; minus strand). Cytogenetic location: 15q15.2.
Variant type: single nucleotide variant.
Coding change: c.3321G>A on transcript NM_174916.3 (MANE Select); coding-DNA position 3321, G replaced by A.
Protein change: p.Val1107=; no amino-acid change (valine 1107 retained).
Molecular consequence: synonymous variant.
Genome position (GRCh38, 1-based): chr15:43,007,173, C>T on the plus strand (G>A on the coding strand, the complement: UBR1 is on the minus strand). VCF-style: chr15-43007173-C-T. GRCh37 (hg19) VCF-style: chr15-43299371-C-T.
Other names: c.3321G>A (NM_174916.2).
Identifiers: ClinVar variation 2154673 (VCV002154673.6), dbSNP rs940897683, ClinGen allele CA269943667.

ClinVar aggregate classification (germline): Likely benign. Review status: criteria provided, single submitter (1 of 4 stars). 2 submissions from 2 submitters: Likely benign (1). 1 of the submissions does not count toward it. Last evaluated 2024-03-17.

Conditions:
UBR1-related disorder. Also called: UBR1-related condition.

Allele frequency attached by ClinVar (database versions not stated): gnomAD exomes 0.00001; TOPMed 0.00001.
gnomAD v4.1: 15 of 1,614,096 alleles (0.00093%); highest among the groups gnomAD compares: Middle Eastern, 0.099%; no homozygotes.

Submissions (2):

Labcorp Genetics (formerly Invitae), Labcorp
Classification: Likely benign. Last evaluated: 2024-03-17. Review status: criteria provided, single submitter. Criteria: Invitae Variant Classification Sherloc (09022015). Collection method: clinical testing. Allele origin: germline.

PreventionGenetics, part of Exact Sciences
Classification: Likely benign for UBR1-related condition. Last evaluated: 2020-04-20. Review status: no assertion criteria provided. Collection method: clinical testing. Allele origin: germline. Not counted in ClinVar's aggregate classification.
Comment: This variant is classified as likely benign based on ACMG/AMP sequence variant interpretation guidelines (Richards et al. 2015 PMID: 25741868, with internal and published modifications).